The following is an entry in ClinVar:

NM_001165963.4(SCN1A):c.2802G>C (p.Met934Ile)

Gene: SCN1A (sodium voltage-gated channel alpha subunit 1; minus strand). Cytogenetic location: 2q24.3.
Variant type: single nucleotide variant.
Coding change: c.2802G>C on transcript NM_001165963.4 (MANE Select); coding-DNA position 2802, G replaced by C.
Protein change: p.Met934Ile; replaces methionine 934 with isoleucine.
Molecular consequence: missense variant. On other transcripts: non-coding transcript variant (1).
Genome position (GRCh38, 1-based): chr2:166,037,920, C>G on the plus strand (G>C on the coding strand, the complement: SCN1A is on the minus strand). VCF-style: chr2-166037920-C-G. GRCh37 (hg19) VCF-style: chr2-166894430-C-G.
Other names: c.2718G>C, p.Met906Ile (NM_001165964.3, NM_001353957.2, NM_001353958.2); c.2802G>C, p.Met934Ile (NM_001202435.3, NM_001353948.2); c.2769G>C, p.Met923Ile (NM_001353949.2, NM_001353950.2, NM_001353951.2 and 2 more transcripts); c.2766G>C, p.Met922Ile (NM_001353954.2, NM_001353955.2); c.2715G>C, p.Met905Ile (NM_001353960.2); c.360G>C, p.Met120Ile (NM_001353961.2); short protein forms M923I, M934I, M905I, M906I, M922I, M120I.
Identifiers: ClinVar variation 68599 (VCV000068599.1), dbSNP rs121918774, ClinGen allele CA285084.

ClinVar aggregate classification (germline): not provided (0 of 4 stars; one submission).

Conditions:
Severe myoclonic epilepsy in infancy (DRVT). Also called: SEVERE MYOCLONIC EPILEPSY OF INFANCY; DEVELOPMENTAL AND EPILEPTIC ENCEPHALOPATHY 6A; Severe Myoclonic Epilepsy in Infancy (SMEI); Dravet syndrome; Epileptic encephalopathy, early infantile, 6 (Dravet syndrome). Identifiers: Orphanet 33069, MedGen C0751122, MONDO:0100135, OMIM 607208.

Submission:

UniProtKB/Swiss-Prot
No classification provided. Condition: Severe myoclonic epilepsy in infancy. Review status: no classification provided. Collection method: not provided. Allele origin: not provided.
Comment: Variants reported as p.Met924Ile in PubMed 14738421